The following is an entry in ClinVar:

ClinVar aggregate classification (germline): Benign (1 of 4 stars; one submission).

Allele frequency attached by ClinVar (database versions not stated): ExAC 0.63626; gnomAD exomes 0.65578; 1000 Genomes Project 0.69229; gnomAD 0.69351; 1000 Genomes Project 30x 0.69457; TOPMed 0.69750; ESP Exome Variant Server 0.70397.
gnomAD v4.1: 1,023,217 of 1,551,174 alleles (66%); highest among the groups gnomAD compares: African/African-American, 81%; 340,263 homozygotes.

Submission:

Unidad de Genómica Garrahan, Hospital de Pediatría Garrahan
Classification: Benign. Last evaluated: 2023-11-12. Review status: criteria provided, single submitter. Criteria: ACMG Guidelines, 2015. Collection method: clinical testing. Allele origin: germline. Affected: no. Observed: 84 variant alleles.
Comment: This variant is classified as Benign based on local population frequency. This variant was detected in 88% of patients studied by a panel of primary immunodeficiencies. Number of patients: 84. Only high quality variants are reported.

NM_001322934.2(NFKB2):c.2579-42T>C

Gene: NFKB2 (nuclear factor kappa B subunit 2; plus strand). Cytogenetic location: 10q24.32.
Variant type: single nucleotide variant.
Coding change: c.2579-42T>C on transcript NM_001322934.2 (MANE Select); 42 bases into the intron before coding-DNA position 2579, T replaced by C.
Molecular consequence: intron variant.
Genome position (GRCh38, 1-based): chr10:102,402,210, T>C. VCF-style: chr10-102402210-T-C. GRCh37 (hg19) VCF-style: chr10-104161967-T-C.
Other names: c.2579-45T>C (NM_001288724.1, NM_001261403.3, NM_002502.6); c.2453-42T>C (NM_001322935.1); c.2579-42T>C (NM_001077494.3).
Identifiers: ClinVar variation 2628311 (VCV002628311.2), dbSNP rs7077329, ClinGen allele CA5665125.